The following is an entry in ClinVar:

ClinVar aggregate classification (germline): Uncertain significance. Review status: criteria provided, multiple submitters, no conflicts (2 of 4 stars). 2 submissions from 2 submitters: Uncertain significance (2). Last evaluated 2024-11-11.

Allele frequency attached by ClinVar (database versions not stated): gnomAD 0.00001; ExAC 0.00004.

Submissions (2):

Blueprint Genetics
Classification: Uncertain significance. Last evaluated: 2024-11-11. Review status: criteria provided, single submitter. Criteria: ACMG Guidelines, 2015. Collection method: clinical testing. Allele origin: germline.

Labcorp Genetics (formerly Invitae), Labcorp
Classification: Uncertain significance. Last evaluated: 2024-09-06. Review status: criteria provided, single submitter. Criteria: Invitae Variant Classification Sherloc (09022015). Collection method: clinical testing. Allele origin: germline.
Comment: This sequence change replaces threonine, which is neutral and polar, with alanine, which is neutral and non-polar, at codon 356 of the ASNS protein (p.Thr356Ala). This variant is present in population databases (rs747373413, gnomAD 0.02%). This variant has not been reported in the literature in individuals affected with ASNS-related conditions. ClinVar contains an entry for this variant (Variation ID: 2167721). Invitae Evidence Modeling of protein sequence and biophysical properties (such as structural, functional, and spatial information, amino acid conservation, physicochemical variation, residue mobility, and thermodynamic stability) indicates that this missense variant is expected to disrupt ASNS protein function with a positive predictive value of 80%. In summary, the available evidence is currently insufficient to determine the role of this variant in disease. Therefore, it has been classified as a Variant of Uncertain Significance.

NM_001673.5(ASNS):c.1066A>G (p.Thr356Ala)

Genes: ASNS (asparagine synthetase (glutamine-hydrolyzing); minus strand), CZ1P-ASNS (CZ1P-ASNS readthrough; minus strand). Cytogenetic location: 7q21.3.
Variant type: single nucleotide variant.
Coding change: c.1066A>G on transcript NM_001673.5 (MANE Select); coding-DNA position 1066, A replaced by G.
Protein change: p.Thr356Ala; replaces threonine 356 with alanine.
Molecular consequence: missense variant. On other transcripts: non-coding transcript variant (1).
Genome position (GRCh38, 1-based): chr7:97,855,424, T>C on the plus strand (A>G on the coding strand, the complement: ASNS is on the minus strand). VCF-style: chr7-97855424-T-C. GRCh37 (hg19) VCF-style: chr7-97484736-T-C.
Other names: c.1003A>G, p.Thr335Ala (NM_001178075.2); c.817A>G, p.Thr273Ala (NM_001178076.2, NM_001178077.1); c.1066A>G, p.Thr356Ala (NM_001352496.2, NM_133436.3, NM_183356.4); short protein forms T273A, T335A, T356A.
Identifiers: ClinVar variation 2167721 (VCV002167721.3), dbSNP rs747373413, ClinGen allele CA4354610.